The following is an entry in ClinVar:

ClinVar aggregate classification (germline): Likely benign (0 of 4 stars; one submission).

Conditions:
CATSPER1-related disorder. Also called: CATSPER1-related condition.

Allele frequency attached by ClinVar (database versions not stated): gnomAD exomes 0.00007; ExAC 0.00012; gnomAD 0.00024; TOPMed 0.00037; ESP Exome Variant Server 0.00062.
gnomAD v4.1: 132 of 1,613,558 alleles (0.0082%); highest among the groups gnomAD compares: African/African-American, 0.1%; no homozygotes.

Submission:

PreventionGenetics, part of Exact Sciences
Classification: Likely benign for CATSPER1-related condition. Last evaluated: 2019-03-01. Review status: no assertion criteria provided. Collection method: clinical testing. Allele origin: germline.
Comment: This variant is classified as likely benign based on ACMG/AMP sequence variant interpretation guidelines (Richards et al. 2015 PMID: 25741868, with internal and published modifications).

NM_053054.4(CATSPER1):c.600C>T (p.Ser200=)

Gene: CATSPER1 (cation channel sperm associated 1; minus strand). Cytogenetic location: 11q13.1.
Variant type: single nucleotide variant.
Coding change: c.600C>T on transcript NM_053054.4 (MANE Select); coding-DNA position 600, C replaced by T.
Protein change: p.Ser200=; no amino-acid change (serine 200 retained).
Molecular consequence: synonymous variant.
Genome position (GRCh38, 1-based): chr11:66,025,780, G>A on the plus strand (C>T on the coding strand, the complement: CATSPER1 is on the minus strand). VCF-style: chr11-66025780-G-A. GRCh37 (hg19) VCF-style: chr11-65793251-G-A.
Identifiers: ClinVar variation 3058785 (VCV003058785.2), dbSNP rs142855965, ClinGen allele CA6114896.
Genomic context (GRCh38, chr11:66,025,780, plus strand): 5'-ATGGTGGGGCCAGCCACGGTGGGGGACTTGGTGATGCTGGGACTCATCGTGTTGGAGCCC[G>A]CTAAGGTGGGAAGCCTCGCTGTGGTGGAAGGACTCACTGTAGGGATTGGGTCCATGGGGG-3'
Protein context (NP_444282.3, residues 190-210): SFHHSEASHL[Ser200=]GLQHDESQHH